The following is an entry in ClinVar:

NM_000878.5(IL2RB):c.1259C>A (p.Thr420Asn)

Gene: IL2RB (interleukin 2 receptor subunit beta; minus strand). Cytogenetic location: 22q12.3.
Variant type: single nucleotide variant.
Coding change: c.1259C>A on transcript NM_000878.5 (MANE Select); coding-DNA position 1259, C replaced by A.
Protein change: p.Thr420Asn; replaces threonine 420 with asparagine.
Molecular consequence: missense variant.
Genome position (GRCh38, 1-based): chr22:37,128,493, G>T on the plus strand (C>A on the coding strand, the complement: IL2RB is on the minus strand). VCF-style: chr22-37128493-G-T. GRCh37 (hg19) VCF-style: chr22-37524533-G-T.
Other names: c.1259C>A, p.Thr420Asn (NM_001346222.1, NM_001346223.2); short protein forms T420N.
Identifiers: ClinVar variation 1964310 (VCV001964310.5), dbSNP rs2517832885, ClinGen allele CA411424786.

ClinVar aggregate classification (germline): Uncertain significance (1 of 4 stars; one submission).

Submission:

Labcorp Genetics (formerly Invitae), Labcorp
Classification: Uncertain significance. Last evaluated: 2022-03-12. Review status: criteria provided, single submitter. Criteria: Invitae Variant Classification Sherloc (09022015). Collection method: clinical testing. Allele origin: germline.
Comment: In summary, the available evidence is currently insufficient to determine the role of this variant in disease. Therefore, it has been classified as a Variant of Uncertain Significance. This variant has not been reported in the literature in individuals affected with IL2RB-related conditions. This variant is not present in population databases (gnomAD no frequency). This sequence change replaces threonine, which is neutral and polar, with asparagine, which is neutral and polar, at codon 420 of the IL2RB protein (p.Thr420Asn). Algorithms developed to predict the effect of missense changes on protein structure and function are either unavailable or do not agree on the potential impact of this missense change (SIFT: "Deleterious"; PolyPhen-2: "Possibly Damaging"; Align-GVGD: "Class C0").